The following is an entry in ClinVar:

ClinVar aggregate classification (germline): Likely benign. Review status: criteria provided, multiple submitters, no conflicts (2 of 4 stars). 4 submissions from 4 submitters: Likely benign (3). 1 of the submissions does not count toward it. Last evaluated 2025-04-23.

Conditions:
ELMOD3-related disorder. Also called: ELMOD3-related condition.

Allele frequency attached by ClinVar (database versions not stated): ExAC 0.00036; TOPMed 0.00046; gnomAD exomes 0.00048 and 0.00095; gnomAD 0.00061 and 0.00064.
gnomAD v4.1: 1,411 of 1,550,430 alleles (0.091%); highest among the groups gnomAD compares: Non-Finnish European, 0.12%; 1 homozygote.

Submissions (4):

Labcorp Genetics (formerly Invitae), Labcorp
Classification: Likely benign. Last evaluated: 2025-04-23. Review status: criteria provided, single submitter. Criteria: Invitae Variant Classification Sherloc (09022015). Collection method: clinical testing. Allele origin: germline.

Blueprint Genetics
Classification: Likely benign. Last evaluated: 2024-10-10. Review status: criteria provided, single submitter. Criteria: ACMG Guidelines, 2015. Collection method: clinical testing. Allele origin: germline.

GeneDx
Classification: Likely benign. Last evaluated: 2020-11-11. Review status: criteria provided, single submitter. Criteria: GeneDx Variant Classification Process June 2021. Collection method: clinical testing. Allele origin: germline. Affected: yes.

PreventionGenetics, part of Exact Sciences
Classification: Likely benign for ELMOD3-related condition. Last evaluated: 2024-07-15. Review status: no assertion criteria provided. Collection method: clinical testing. Allele origin: germline. Not counted in ClinVar's aggregate classification.
Comment: This variant is classified as likely benign based on ACMG/AMP sequence variant interpretation guidelines (Richards et al. 2015 PMID: 25741868, with internal and published modifications).

NM_001135022.2(ELMOD3):c.944-6T>C

Gene: ELMOD3 (ELMO domain containing 3; plus strand). Cytogenetic location: 2p11.2.
Variant type: single nucleotide variant.
Coding change: c.944-6T>C on transcript NM_001135022.2 (MANE Select); 6 bases into the intron before coding-DNA position 944, T replaced by C.
Molecular consequence: intron variant.
Genome position (GRCh38, 1-based): chr2:85,390,754, T>C. VCF-style: chr2-85390754-T-C. GRCh37 (hg19) VCF-style: chr2-85617877-T-C.
Other names: c.944-6T>C (NM_001329791.2, NM_001135021.2, NM_001135023.2 and 3 more transcripts).
Identifiers: ClinVar variation 1318133 (VCV001318133.8), dbSNP rs201853713, ClinGen allele CA1740596.